The following is an entry in ClinVar:

NM_018671.5(UNC45A):c.1816G>A (p.Asp606Asn)

Gene: UNC45A (unc-45 myosin chaperone A; plus strand). Cytogenetic location: 15q26.1.
Variant type: single nucleotide variant.
Coding change: c.1816G>A on transcript NM_018671.5 (MANE Select); coding-DNA position 1816, G replaced by A.
Protein change: p.Asp606Asn; replaces aspartic acid 606 with asparagine.
Molecular consequence: missense variant.
Genome position (GRCh38, 1-based): chr15:90,948,732, G>A. VCF-style: chr15-90948732-G-A. GRCh37 (hg19) VCF-style: chr15-91491962-G-A.
Other names: c.1771G>A, p.Asp591Asn (NM_001039675.2, NM_001323621.2); c.1816G>A, p.Asp606Asn (NM_001323619.1); c.1381G>A, p.Asp461Asn (NM_001323620.2); short protein forms D461N, D591N, D606N.
Identifiers: ClinVar variation 1663120 (VCV001663120.10), dbSNP rs533916225, ClinGen allele CA7743070.
Genomic context (GRCh38, chr15:90,948,732, plus strand): 5'-CTCTTTGCGGTGGCCTCAGCGCTGGTGAACTGCACCAACAGCTATGACTACGAGGAGCCC[G>A]ACCCCAAGATGGTGGAGCTGGCCAAGTATGCCAAGCAGCATGTGCCCGAGCAGCACCCCA-3'
Protein context (NP_061141.2, residues 596-616): CTNSYDYEEP[Asp606Asn]PKMVELAKYA

ClinVar aggregate classification (germline): Benign. Review status: criteria provided, single submitter (1 of 4 stars). 2 submissions from 2 submitters: Benign (1). 1 of the submissions does not count toward it. Last evaluated 2025-12-15.

Conditions:
UNC45A-related disorder. Also called: UNC45A-related condition.

Allele frequency attached by ClinVar (database versions not stated): gnomAD 0.00001 and 0.00033; TOPMed 0.00011; gnomAD exomes 0.00119; ExAC 0.00129; 1000 Genomes Project 30x 0.00250; 1000 Genomes Project 0.00260.
gnomAD v4.1: 808 of 1,613,924 alleles (0.05%); highest among the groups gnomAD compares: South Asian, 0.82%; 14 homozygotes.

Submissions (2):

Labcorp Genetics (formerly Invitae), Labcorp
Classification: Benign. Last evaluated: 2025-12-15. Review status: criteria provided, single submitter. Criteria: Invitae Variant Classification Sherloc (09022015). Collection method: clinical testing. Allele origin: germline.

PreventionGenetics, part of Exact Sciences
Classification: Benign for UNC45A-related condition. Last evaluated: 2019-05-21. Review status: no assertion criteria provided. Collection method: clinical testing. Allele origin: germline. Not counted in ClinVar's aggregate classification.
Comment: This variant is classified as benign based on ACMG/AMP sequence variant interpretation guidelines (Richards et al. 2015 PMID: 25741868, with internal and published modifications).